The following is an entry in ClinVar:

NM_000548.5(TSC2):c.4107G>C (p.Arg1369=)

Gene: TSC2 (TSC complex subunit 2; plus strand). Cytogenetic location: 16p13.3.
Variant type: single nucleotide variant.
Coding change: c.4107G>C on transcript NM_000548.5 (MANE Select); coding-DNA position 4107, G replaced by C.
Protein change: p.Arg1369=; no amino-acid change (arginine 1369 retained).
Molecular consequence: synonymous variant.
Genome position (GRCh38, 1-based): chr16:2,084,329, G>C. VCF-style: chr16-2084329-G-C. GRCh37 (hg19) VCF-style: chr16-2134330-G-C.
Other names: c.4038G>C, p.Arg1346= (NM_001114382.3); c.3798G>C, p.Arg1266= (NM_001318827.2); c.3762G>C, p.Arg1254= (NM_001318829.2); c.3375G>C, p.Arg1125= (NM_001318831.2); c.3939G>C, p.Arg1313= (NM_001318832.2); c.3909G>C, p.Arg1303= (NM_001363528.2); c.3975G>C, p.Arg1325= (NM_001370404.1); c.3978G>C, p.Arg1326= (NM_001370405.1, NM_021055.3); and 1 more.
Identifiers: ClinVar variation 413698 (VCV000413698.24), dbSNP rs201688447, ClinGen allele CA050471.

ClinVar aggregate classification (germline): Benign/Likely benign. Review status: criteria provided, multiple submitters, no conflicts (2 of 4 stars). 10 submissions from 10 submitters: Benign (5); Likely benign (5). Last evaluated 2026-01-20.

Conditions:
Tuberous sclerosis 2 (TSC2). Identifiers: Orphanet 805, MedGen C1860707, MONDO:0013199, OMIM 613254.
Isolated focal cortical dysplasia type II (FCORD2). Also called: CORTICAL DYSPLASIA OF TAYLOR; Focal cortical dysplasia type II. Identifiers: Orphanet 268994, MedGen C1846385, MONDO:0011818, OMIM 607341, HP:0032051.
Lymphangiomyomatosis (LAM). Also called: Lymphangioleiomyomatosis; Lymphangioleiomyomatosis, somatic. Identifiers: Orphanet 538, MedGen C0751674, MONDO:0011705, OMIM 606690.
Hereditary cancer-predisposing syndrome. Also called: Neoplastic Syndromes, Hereditary; Tumor predisposition; Hereditary Cancer Syndrome; Hereditary neoplastic syndrome. Identifiers: Orphanet 140162, MedGen C0027672, MeSH D009386, MONDO:0015356.
Tuberous sclerosis syndrome (TSC). Also called: Tuberous Sclerosis Complex; Tuberous sclerosis. Identifiers: Orphanet 805, MedGen C0041341, MONDO:0001734.

Allele frequency attached by ClinVar (database versions not stated): TOPMed 0.00002.
gnomAD v4.1: 21 of 1,612,576 alleles (0.0013%); highest among the groups gnomAD compares: Admixed American, 0.035%; no homozygotes.

Submissions (10):

Labcorp Genetics (formerly Invitae), Labcorp
Classification: Benign for Tuberous sclerosis 2. Last evaluated: 2026-01-20. Review status: criteria provided, single submitter. Criteria: Invitae Variant Classification Sherloc (09022015). Collection method: clinical testing. Allele origin: germline.

Myriad Genetics, Inc.
Classification: Benign for Tuberous sclerosis 2. Last evaluated: 2025-06-02. Review status: criteria provided, single submitter. Criteria: Myriad Autosomal Dominant, Autosomal Recessive and X-Linked Classification Criteria (2023). Collection method: clinical testing. Allele origin: unknown.
Comment: This variant is considered benign. This variant is a silent/synonymous amino acid change and it is not expected to impact splicing.

Blueprint Genetics
Classification: Likely benign. Last evaluated: 2024-01-03. Review status: criteria provided, single submitter. Criteria: ACMG Guidelines, 2015. Collection method: clinical testing. Allele origin: germline.

Athena Diagnostics
Classification: Benign. Last evaluated: 2023-10-16. Review status: criteria provided, single submitter. Criteria: Athena Diagnostics Criteria. Collection method: clinical testing. Allele origin: unknown.

Color Diagnostics, LLC DBA Color Health
Classification: Benign for Tuberous sclerosis syndrome. Last evaluated: 2022-10-06. Review status: criteria provided, single submitter. Criteria: ACMG Guidelines, 2015. Collection method: clinical testing. Allele origin: germline.

Sema4
Classification: Likely benign for Hereditary cancer-predisposing syndrome. Last evaluated: 2021-12-23. Review status: criteria provided, single submitter. Criteria: Sema4 Curation Guidelines. Collection method: curation. Allele origin: germline.

Genome-Nilou Lab
Classification: Benign for Tuberous sclerosis 2. Last evaluated: 2021-11-07. Review status: criteria provided, single submitter. Criteria: ACMG Guidelines, 2015. Collection method: clinical testing. Allele origin: germline. Affected: no.

Fulgent Genetics
Classification: Likely benign for Lymphangiomyomatosis; Isolated focal cortical dysplasia type II; Tuberous sclerosis 2. Last evaluated: 2021-07-06. Review status: criteria provided, single submitter. Criteria: ACMG Guidelines, 2015. Collection method: clinical testing. Allele origin: unknown.

GeneDx
Classification: Likely benign. Last evaluated: 2021-01-20. Review status: criteria provided, single submitter. Criteria: GeneDx Variant Classification Process June 2021. Collection method: clinical testing. Allele origin: germline. Affected: yes.

Ambry Genetics
Classification: Likely benign for Hereditary cancer-predisposing syndrome. Last evaluated: 2019-08-02. Review status: criteria provided, single submitter. Criteria: Ambry Variant Classification Scheme 2023. Collection method: clinical testing. Allele origin: germline.